The following is an entry in ClinVar:

ClinVar aggregate classification (germline): Uncertain significance. Review status: criteria provided, multiple submitters, no conflicts (2 of 4 stars). 2 submissions from 2 submitters: Uncertain significance (2). Last evaluated 2025-11-26.

Conditions:
Brugada syndrome 8 (BRGDA8). Identifiers: Orphanet 130, MedGen C2751083, MONDO:0013148, OMIM 613123.
HCN4-related disorder. Also called: HCN4-related condition.

Submissions (2):

PreventionGenetics, part of Exact Sciences
Classification: Uncertain significance for HCN4-related condition. Last evaluated: 2025-11-26. Review status: criteria provided, single submitter. Criteria: ACMG Guidelines, 2015. Collection method: clinical testing. Allele origin: germline.
Comment: The HCN4 c.2950C>G variant is predicted to result in the amino acid substitution p.Leu984Val. To our knowledge, this variant has not been reported in the literature or in a large population database (gnomAD), indicating this variant is rare. At this time, the clinical significance of this variant is uncertain due to the absence of conclusive functional and genetic evidence.

Labcorp Genetics (formerly Invitae), Labcorp
Classification: Uncertain significance for Brugada syndrome 8. Last evaluated: 2024-10-09. Review status: criteria provided, single submitter. Criteria: Invitae Variant Classification Sherloc (09022015). Collection method: clinical testing. Allele origin: germline.
Comment: This sequence change replaces leucine, which is neutral and non-polar, with valine, which is neutral and non-polar, at codon 984 of the HCN4 protein (p.Leu984Val). This variant is not present in population databases (gnomAD no frequency). This variant has not been reported in the literature in individuals affected with HCN4-related conditions. ClinVar contains an entry for this variant (Variation ID: 1525647). Invitae Evidence Modeling of protein sequence and biophysical properties (such as structural, functional, and spatial information, amino acid conservation, physicochemical variation, residue mobility, and thermodynamic stability) indicates that this missense variant is not expected to disrupt HCN4 protein function with a negative predictive value of 95%. In summary, the available evidence is currently insufficient to determine the role of this variant in disease. Therefore, it has been classified as a Variant of Uncertain Significance.

NM_005477.3(HCN4):c.2950C>G (p.Leu984Val)

Gene: HCN4 (hyperpolarization activated cyclic nucleotide gated potassium channel 4; minus strand). Cytogenetic location: 15q24.1.
Variant type: single nucleotide variant.
Coding change: c.2950C>G on transcript NM_005477.3 (MANE Select); coding-DNA position 2950, C replaced by G.
Protein change: p.Leu984Val; replaces leucine 984 with valine.
Molecular consequence: missense variant.
Genome position (GRCh38, 1-based): chr15:73,323,143, G>C on the plus strand (C>G on the coding strand, the complement: HCN4 is on the minus strand). VCF-style: chr15-73323143-G-C. GRCh37 (hg19) VCF-style: chr15-73615484-G-C.
Other names: c.2950C>G (NM_005477.2); short protein forms L984V.
Identifiers: ClinVar variation 1525647 (VCV001525647.9), dbSNP rs2151214244, ClinGen allele CA393086721.